The following is an entry in ClinVar:

ClinVar aggregate classification (germline): Uncertain significance. Review status: criteria provided, multiple submitters, no conflicts (2 of 4 stars). 4 submissions from 4 submitters: Uncertain significance (4). Last evaluated 2026-10-19.

Conditions:
Ellis-van Creveld syndrome (EVC). Also called: Chondroectodermal dysplasia; MESOECTODERMAL DYSPLASIA. Identifiers: Orphanet 289, MedGen C0013903, MONDO:0009162, OMIM 225500.
Curry-Hall syndrome (WAD). Also called: WEYERS ACRODENTAL DYSOSTOSIS. Identifiers: Orphanet 952, MedGen C0457013, MONDO:0008673, OMIM 193530.

Allele frequency attached by ClinVar (database versions not stated): 1000 Genomes Project 30x 0.00016; gnomAD exomes 0.00054; 1000 Genomes Project 0.00020; TOPMed 0.00034; ExAC 0.00059; ESP Exome Variant Server 0.00077.
gnomAD v4.1: 1,083 of 1,613,612 alleles (0.067%); highest among the groups gnomAD compares: South Asian, 0.1%; 2 homozygotes.

Submissions (4):

GeneDx
Classification: Uncertain significance. Last evaluated: 2026-10-19. Review status: criteria provided, single submitter. Criteria: GeneDx Variant Classification Process June 2021. Collection method: clinical testing. Allele origin: germline.
Comment: In silico analysis supports that this missense variant does not alter protein structure/function; Identified in a patient with congenital heart disease who harbored a variant in the NOTCH1 gene; it was noted that the EVC2 variant did not segregate with disease in some affected family members (PMID: 25500235); This variant is associated with the following publications: (PMID: 25500235)

Labcorp Genetics (formerly Invitae), Labcorp
Classification: Uncertain significance for Curry-Hall syndrome; Ellis-van Creveld syndrome. Last evaluated: 2025-01-06. Review status: criteria provided, single submitter. Criteria: Invitae Variant Classification Sherloc (09022015). Collection method: clinical testing. Allele origin: germline.
Comment: This sequence change replaces arginine, which is basic and polar, with histidine, which is basic and polar, at codon 687 of the EVC2 protein (p.Arg687His). This variant is present in population databases (rs144420242, gnomAD 0.1%), and has an allele count higher than expected for a pathogenic variant. This variant has not been reported in the literature in individuals affected with EVC2-related conditions. ClinVar contains an entry for this variant (Variation ID: 429228). An algorithm developed to predict the effect of missense changes on protein structure and function (PolyPhen-2) suggests that this variant is likely to be disruptive. In summary, the available evidence is currently insufficient to determine the role of this variant in disease. Therefore, it has been classified as a Variant of Uncertain Significance.

Fulgent Genetics
Classification: Uncertain significance for Curry-Hall syndrome; Ellis-van Creveld syndrome. Last evaluated: 2021-07-01. Review status: criteria provided, single submitter. Criteria: ACMG Guidelines, 2015. Collection method: clinical testing. Allele origin: unknown.

Illumina Laboratory Services, Illumina
Classification: Uncertain significance for Ellis-van Creveld syndrome. Last evaluated: 2017-04-27. Review status: criteria provided, single submitter. Criteria: ICSL Variant Classification Criteria 13 December 2019. Collection method: clinical testing. Allele origin: germline.
Comment: This variant was observed as part of a predisposition screen in an ostensibly healthy population. A literature search was performed for the gene, cDNA change, and amino acid change (where applicable). Publications were found based on this search. However, the evidence from the literature, in combination with allele frequency data from public databases where available, was not sufficient to rule this variant in or out of causing disease. Therefore, this variant is classified as a variant of unknown significance.

Literature cited by the submitters: PubMed 25500235 (cited by Illumina Laboratory Services, Illumina).

NM_147127.5(EVC2):c.2060G>A (p.Arg687His)

Gene: EVC2 (EvC ciliary complex subunit 2; minus strand). Cytogenetic location: 4p16.2.
Variant type: single nucleotide variant.
Coding change: c.2060G>A on transcript NM_147127.5 (MANE Select); coding-DNA position 2060, G replaced by A.
Protein change: p.Arg687His; replaces arginine 687 with histidine.
Molecular consequence: missense variant.
Genome position (GRCh38, 1-based): chr4:5,622,978, C>T on the plus strand (G>A on the coding strand, the complement: EVC2 is on the minus strand). VCF-style: chr4-5622978-C-T. GRCh37 (hg19) VCF-style: chr4-5624705-C-T.
Other names: c.1820G>A, p.Arg607His (NM_001166136.2); short protein forms R687H, R607H.
Identifiers: ClinVar variation 429228 (VCV000429228.14), dbSNP rs144420242, ClinGen allele CA2834822.